The following is an entry in ClinVar:

NM_014141.6(CNTNAP2):c.3647C>T (p.Ala1216Val)

Gene: CNTNAP2 (contactin associated protein 2; plus strand). Cytogenetic location: 7q36.1.
Variant type: single nucleotide variant.
Coding change: c.3647C>T on transcript NM_014141.6 (MANE Select); coding-DNA position 3647, C replaced by T.
Protein change: p.Ala1216Val; replaces alanine 1216 with valine.
Molecular consequence: missense variant.
Genome position (GRCh38, 1-based): chr7:148,383,820, C>T. VCF-style: chr7-148383820-C-T. GRCh37 (hg19) VCF-style: chr7-148080912-C-T.
Other names: short protein forms A1216V.
Identifiers: ClinVar variation 864776 (VCV000864776.8), dbSNP rs553418598, ClinGen allele CA4546716.
Genomic context (GRCh38, chr7:148,383,820, plus strand): 5'-AGACAAACGCCTCGGCTCACGTCCACATCCAGGGCGAGCTGGTGGAGTCCAACTGCGGGG[C>T]CTCGCCGCTGACCCTCTCCCCCATGTCGTCCGCCACCGACCCCTGGCACCTGGATCACCT-3'
Protein context (NP_054860.1, residues 1206-1226): QGELVESNCG[Ala1216Val]SPLTLSPMSS

ClinVar aggregate classification (germline): Uncertain significance. Review status: criteria provided, multiple submitters, no conflicts (2 of 4 stars). 2 submissions from 2 submitters: Uncertain significance (2). Last evaluated 2026-04-01.

Conditions:
Inborn genetic diseases. Identifiers: MedGen C0950123, MeSH D030342.
Cortical dysplasia-focal epilepsy syndrome (PTHSL1). Also called: Pitt-Hopkins-like syndrome 1. Identifiers: Orphanet 163681, Orphanet 221150, MedGen C2750246, MONDO:0012400, OMIM 610042.

Allele frequency attached by ClinVar (database versions not stated): 1000 Genomes Project 30x 0.00016; 1000 Genomes Project 0.00020.
gnomAD v4.1: 63 of 1,614,114 alleles (0.0039%); highest among the groups gnomAD compares: South Asian, 0.066%; no homozygotes.

Submissions (2):

Ambry Genetics
Classification: Uncertain significance for Inborn genetic diseases. Last evaluated: 2026-04-01. Review status: criteria provided, single submitter. Criteria: Ambry Variant Classification Scheme 2023. Collection method: clinical testing. Allele origin: germline.
Comment: The c.3647C>T (p.A1216V) alteration is located in exon 22 (coding exon 22) of the CNTNAP2 gene. This alteration results from a C to T substitution at nucleotide position 3647, causing the alanine (A) at amino acid position 1216 to be replaced by a valine (V). Based on data from gnomAD, the T allele has an overall frequency of 0.009% (22/251100) total alleles studied. The highest observed frequency was 0.072% (22/30608) of South Asian alleles. Based on insufficient or conflicting evidence, the clinical significance of this alteration remains unclear.

Labcorp Genetics (formerly Invitae), Labcorp
Classification: Uncertain significance for Cortical dysplasia-focal epilepsy syndrome. Last evaluated: 2022-03-13. Review status: criteria provided, single submitter. Criteria: Invitae Variant Classification Sherloc (09022015). Collection method: clinical testing. Allele origin: germline.
Comment: This sequence change replaces alanine, which is neutral and non-polar, with valine, which is neutral and non-polar, at codon 1216 of the CNTNAP2 protein (p.Ala1216Val). This variant is present in population databases (rs553418598, gnomAD 0.07%). This variant has not been reported in the literature in individuals affected with CNTNAP2-related conditions. ClinVar contains an entry for this variant (Variation ID: 864776). Algorithms developed to predict the effect of missense changes on protein structure and function are either unavailable or do not agree on the potential impact of this missense change (SIFT: "Deleterious"; PolyPhen-2: "Benign"; Align-GVGD: "Class C0"). In summary, the available evidence is currently insufficient to determine the role of this variant in disease. Therefore, it has been classified as a Variant of Uncertain Significance.